The following is an entry in ClinVar:

NM_000505.4(F12):c.1634G>A (p.Gly545Asp)

Gene: F12 (coagulation factor XII; minus strand). Cytogenetic location: 5q35.3.
Variant type: single nucleotide variant.
Coding change: c.1634G>A on transcript NM_000505.4 (MANE Select); coding-DNA position 1634, G replaced by A.
Protein change: p.Gly545Asp; replaces glycine 545 with aspartic acid.
Molecular consequence: missense variant.
Genome position (GRCh38, 1-based): chr5:177,402,596, C>T on the plus strand (G>A on the coding strand, the complement: F12 is on the minus strand). VCF-style: chr5-177402596-C-T. GRCh37 (hg19) VCF-style: chr5-176829597-C-T.
Other names: short protein forms G545D.
Identifiers: ClinVar variation 2335220 (VCV002335220.4), dbSNP rs17876034, ClinGen allele CA3581111.
Genomic context (GRCh38, chr5:177,402,596, plus strand): 5'-GGCTAAGAGCTCACCTGGCACGCATCGGTGCCGCCCTCGAGGAACCCTGCGCAGAGCATG[C>T]CGGGGAGGATGGAGGATCCGTGCACGTCCGGGGCTGAGCAGCGCTCCAGGGAGAGGAACG-3'
Protein context (NP_000496.2, residues 535-555): PDVHGSSILP[Gly545Asp]MLCAGFLEGG

ClinVar aggregate classification (germline): Uncertain significance. Review status: criteria provided, multiple submitters, no conflicts (2 of 4 stars). 2 submissions from 2 submitters: Uncertain significance (2). Last evaluated 2026-09-08.

Conditions:
F12-related disorder. Also called: F12-related disorders; F12-related condition. Identifiers: MedGen CN239389.
Inborn genetic diseases. Identifiers: MedGen C0950123, MeSH D030342.

Allele frequency attached by ClinVar (database versions not stated): gnomAD exomes 0.00002; ExAC 0.00004; ESP Exome Variant Server 0.00008; TOPMed 0.00021.
gnomAD v4.1: 52 of 1,613,012 alleles (0.0032%); highest among the groups gnomAD compares: African/African-American, 0.056%; no homozygotes.

Submissions (2):

PreventionGenetics, part of Exact Sciences
Classification: Uncertain significance for F12-related condition. Last evaluated: 2026-09-08. Review status: criteria provided, single submitter. Criteria: ACMG Guidelines, 2015. Collection method: clinical testing. Allele origin: germline.
Comment: The F12 c.1634G>A variant is predicted to result in the amino acid substitution p.Gly545Asp. To our knowledge, this variant has not been reported in the literature. This variant is reported in 0.040% of alleles in individuals of African descent in gnomAD. At this time, the clinical significance of this variant is uncertain due to the absence of conclusive functional and genetic evidence.

Ambry Genetics
Classification: Uncertain significance for Inborn genetic diseases. Last evaluated: 2025-04-18. Review status: criteria provided, single submitter. Criteria: Ambry Variant Classification Scheme 2023. Collection method: clinical testing. Allele origin: germline.